The following is an entry in ClinVar:

NM_001320.7(CSNK2B):c.317_318del (p.Phe106fs)

Gene: CSNK2B (casein kinase 2 beta; plus strand). Cytogenetic location: 6p21.33.
Variant type: Deletion.
Coding change: c.317_318del on transcript NM_001320.7 (MANE Select); coding-DNA positions 317 to 318, 2 bases deleted (TT; older notation c.317_318delTT).
Protein change: p.Phe106fs; shifts the reading frame from phenylalanine 106.
Molecular consequence: frameshift variant.
Genome position (GRCh38, 1-based): chr6:31,669,122-31,669,123, TT deleted; deleting any 2 consecutive bases within chr6:31,669,121-31,669,123 gives the same sequence; the c. name uses the placement nearest the transcript's 3' end. VCF-style (leftmost placement, unchanged base first): chr6-31669120-CTT-C. GRCh37 (hg19) VCF-style: chr6-31636897-CTT-C.
Other names: c.317_318del, p.Phe106fs (NM_001282385.2); short protein forms F106fs.
Identifiers: ClinVar variation 4852804 (VCV004852804.4).
Genomic context (GRCh38, chr6:31,669,120, plus strand): 5'-ATCTACCTGCCAACCCCTTCCATTGTATTCACCTCAGTTGGAAAAGTACCAGCAAGGAGA[CTT>C]TGGTTACTGTCCTCGTGTGTACTGTGAGAACCAGCCAATGCTTCCCATTGGTGAGTGTTG-3'

ClinVar aggregate classification (germline): Pathogenic/Likely pathogenic. Review status: criteria provided, multiple submitters, no conflicts (2 of 4 stars). 3 submissions from 3 submitters: Pathogenic (1); Likely pathogenic (2). Last evaluated 2025-10-13.

Conditions:
Poirier-Bienvenu neurodevelopmental syndrome (POBINDS). Identifiers: Orphanet 689397, MedGen C5231482, MONDO:0032889, OMIM 618732.
CSNK2B-related disorder. Also called: CSNK2B-related condition.

Submissions (3):

Dasa
Classification: Likely pathogenic for Poirier-Bienvenu neurodevelopmental syndrome. Last evaluated: 2025-10-13. Review status: criteria provided, single submitter. Criteria: DASA Assertion Criteria. Collection method: clinical testing. Allele origin: germline.
Comment: NM_001320.7(CSNK2B):c.317_318del (p.Phe106Trpfs*9) is a frameshift variant in CSNK2B predicted to alter the reading frame and introduce a premature termination codon and is predicted to result in an absent or altered protein product. Loss of function is an established disease mechanism for CSNK2B-associated disorders. Also, this variant is absent from population databases. Based on the currently available evidence, this variant is classified as likely pathogenic.

Blueprint Genetics
Classification: Likely pathogenic for CSNK2B-related disorders. Last evaluated: 2024-01-18. Review status: criteria provided, single submitter. Criteria: ACMG Guidelines, 2015. Collection method: clinical testing. Allele origin: germline. Affected: yes. Observed: 1 variant allele.

Clinical Genomics Laboratory, Stanford Medicine
Classification: Pathogenic for Poirier-Bienvenu neurodevelopmental syndrome. Last evaluated: 2021-11-16. Review status: criteria provided, single submitter. Criteria: ACMG Guidelines, 2015. Collection method: clinical testing. Allele origin: de novo. Inheritance: Autosomal dominant inheritance. Affected: yes. Observed: 1 variant allele, 1 heterozygote.
Comment: This variant was absent from large population databases, including the Genome Aggregation Database. This variant results in a 2bp deletion, which causes a shift in the protein reading frame, leading to a premature termination codon 9 amino acids downstream. Heterozygous loss of function is an established mechanism of disease for the CSNK2B gene (PMID: 28585349). These data were assessed using the ACMG/AMP variant interpretation guidelines. In summary, there is sufficient evidence to classify the p.Phe106Trpfs*9 variant as pathogenic for autosomal dominant Poirier-Bienvenu neurodevelopmental syndrome based on the information above. [ACMG evidence codes used: PVS1; PM2; PS2_Supporting]

Literature cited by the submitters: PubMed 28585349 (cited by Clinical Genomics Laboratory, Stanford Medicine).